The following is an entry in ClinVar:

NM_001382.4(DPAGT1):c.*184G>A

Gene: DPAGT1 (dolichyl-phosphate N-acetylglucosaminephosphotransferase 1; minus strand). Cytogenetic location: 11q23.3.
Variant type: single nucleotide variant.
Coding change: c.*184G>A on transcript NM_001382.4 (MANE Select); 184 bases downstream of the stop codon, G replaced by A.
Molecular consequence: 3 prime UTR variant.
Genome position (GRCh38, 1-based): chr11:119,096,814, C>T on the plus strand (G>A on the coding strand, the complement: DPAGT1 is on the minus strand). VCF-style: chr11-119096814-C-T. GRCh37 (hg19) VCF-style: chr11-118967524-C-T.
Identifiers: ClinVar variation 302745 (VCV000302745.8), dbSNP rs8551, ClinGen allele CA10637354.

ClinVar aggregate classification (germline): Benign. Review status: criteria provided, multiple submitters, no conflicts (2 of 4 stars). 3 submissions from 3 submitters: Benign (3). Last evaluated 2018-06-29.

Conditions:
DPAGT1-congenital disorder of glycosylation. Also called: CONGENITAL DISORDER OF GLYCOSYLATION, TYPE Ij; CDG Ij; DPAGT1-CDG. Identifiers: Orphanet 86309, MedGen C2931004, MONDO:0011964, OMIM 608093.

Allele frequency attached by ClinVar (database versions not stated): TOPMed 0.37758; gnomAD 0.37865 and 0.38665; 1000 Genomes Project 30x 0.42926; 1000 Genomes Project 0.43670.
gnomAD v4.1: 302,751 of 719,004 alleles (42%); highest among the groups gnomAD compares: East Asian, 62%; 66,477 homozygotes.

Submissions (3):

GeneDx
Classification: Benign. Last evaluated: 2018-06-29. Review status: criteria provided, single submitter. Criteria: GeneDx Variant Classification Process June 2021. Collection method: clinical testing. Allele origin: germline. Affected: yes.

Illumina Laboratory Services, Illumina
Classification: Benign for DPAGT1-congenital disorder of glycosylation. Last evaluated: 2018-01-12. Review status: criteria provided, single submitter. Criteria: ICSL Variant Classification Criteria 13 December 2019. Collection method: clinical testing. Allele origin: germline.
Comment: This variant was observed in the ICSL laboratory as part of a predisposition screen in an ostensibly healthy population. It had not been previously curated by ICSL or reported in the Human Gene Mutation Database (HGMD: prior to June 1st, 2018), and was therefore a candidate for classification through an automated scoring system. Utilizing variant allele frequency, disease prevalence and penetrance estimates, and inheritance mode, an automated score was calculated to assess if this variant is too frequent to cause the disease. Based on the score and internal cut-off values, a variant classified as benign is not then subjected to further curation. The score for this variant resulted in a classification of benign for this disease.

Breakthrough Genomics
Classification: Benign. Review status: criteria provided, single submitter. Criteria: ACMG Guidelines, 2015. Collection method: not provided. Allele origin: germline. Inheritance: Autosomal recessive inheritance. Affected: yes.